The following is an entry in ClinVar:

ClinVar aggregate classification (germline): Pathogenic (1 of 4 stars; one submission).

Conditions:
Marshall-Smith syndrome (MRSHSS). Identifiers: Orphanet 561, MedGen C0265211, MONDO:0011244, OMIM 602535.

Submission:

Centre for Mendelian Genomics, University Medical Centre Ljubljana
Classification: Pathogenic for Marshall-Smith syndrome. Last evaluated: 2019-03-12. Review status: criteria provided, single submitter. Criteria: ACMG Guidelines, 2015. Collection method: clinical testing. Allele origin: unknown. Affected: yes.
Comment: This variant was classified as: Pathogenic. The following ACMG criteria were applied in classifying this variant: PVS1,PM1,PM2.

NM_001365902.3(NFIX):c.77del (p.Phe26fs)

Gene: NFIX (nuclear factor I X; plus strand). Cytogenetic location: 19p13.13.
Variant type: Deletion.
Coding change: c.77del on transcript NM_001365902.3 (MANE Select); coding-DNA position 77, one base deleted (T; older notation c.77delT).
Protein change: p.Phe26fs; shifts the reading frame from phenylalanine 26.
Molecular consequence: frameshift variant. On other transcripts: 5 prime UTR variant (1).
Genome position (GRCh38, 1-based): chr19:13,025,070, T deleted; the last of 3 consecutive T bases (chr19:13,025,068-13,025,070); deleting any one gives the same sequence. VCF-style (leftmost placement, unchanged base first): chr19-13025067-CT-C. GRCh37 (hg19) VCF-style: chr19-13135881-CT-C.
Other names: c.101del, p.Phe34fs (NM_001271043.2); c.53del, p.Phe18fs (NM_001271044.3, NM_001378404.1); c.77del, p.Phe26fs (NM_001365982.2, NM_002501.4); c.-65del (NM_001365983.2); c.74del, p.Phe25fs (NM_001365984.2, NM_001365985.2); c.125del, p.Phe42fs (NM_001378405.1); c.101delT (NM_001271043.2); short protein forms F25fs, F34fs, F42fs, F26fs, F18fs.
Identifiers: ClinVar variation 932070 (VCV000932070.3), dbSNP rs2013220573, ClinGen allele CA1139666301.